The following is an entry in ClinVar:

NM_032608.7(MYO18B):c.2965C>T (p.Gln989Ter)

Gene: MYO18B (myosin XVIIIB; plus strand). Cytogenetic location: 22q12.1.
Variant type: single nucleotide variant.
Coding change: c.2965C>T on transcript NM_032608.7 (MANE Select); coding-DNA position 2965, C replaced by T.
Protein change: p.Gln989Ter; replaces glutamine 989 with a stop codon.
Molecular consequence: nonsense.
Genome position (GRCh38, 1-based): chr22:25,828,954, C>T. VCF-style: chr22-25828954-C-T. GRCh37 (hg19) VCF-style: chr22-26224921-C-T.
Other names: c.2965C>T, p.Gln989Ter (NM_001318245.2); short protein forms Q989*.
Identifiers: ClinVar variation 2119912 (VCV002119912.4), dbSNP rs1484329571, ClinGen allele CA411000723.
Genomic context (GRCh38, chr22:25,828,954, plus strand): 5'-AACTACGCCCATGAGCGCCTGCAGCTGCTGTTCTACCAGCGGACCTTTGTCTCCACGCTA[C>T]AGCGATATCAAGAGGTATGCCTGGGCTGGAGCAGGGCTTTCACCAGAGCTCCGTGGATGG-3'

ClinVar aggregate classification (germline): Pathogenic (1 of 4 stars; one submission).

Allele frequency attached by ClinVar (database versions not stated): gnomAD exomes below 0.00001.
gnomAD v4.1: 1 of 1,613,970 alleles (0.000062%); highest among the groups gnomAD compares: Admixed American, 0.0017%; no homozygotes.

Submission:

Labcorp Genetics (formerly Invitae), Labcorp
Classification: Pathogenic. Last evaluated: 2022-09-18. Review status: criteria provided, single submitter. Criteria: Invitae Variant Classification Sherloc (09022015). Collection method: clinical testing. Allele origin: germline.
Comment: This sequence change creates a premature translational stop signal (p.Gln989*) in the MYO18B gene. It is expected to result in an absent or disrupted protein product. Loss-of-function variants in MYO18B are known to be pathogenic (PMID: 25748484, 32184166, 32637634). The frequency data for this variant in the population databases is considered unreliable, as metrics indicate poor data quality at this position in the gnomAD database. This variant has not been reported in the literature in individuals affected with MYO18B-related conditions. For these reasons, this variant has been classified as Pathogenic.

Literature cited by the submitters: PubMed 25748484; PubMed 32184166; PubMed 32637634.